The following is an entry in ClinVar:

NM_001267550.2(TTN):c.35227+1G>A

Gene: TTN (titin; minus strand). Cytogenetic location: 2q31.2.
Variant type: single nucleotide variant.
Coding change: c.35227+1G>A on transcript NM_001267550.2 (MANE Select); the canonical splice donor site of the intron after coding-DNA position 35227, G replaced by A.
Molecular consequence: splice donor variant. On other transcripts: intron variant (3).
Genome position (GRCh38, 1-based): chr2:178,671,970, C>T on the plus strand (G>A on the coding strand, the complement: TTN is on the minus strand). VCF-style: chr2-178671970-C-T. GRCh37 (hg19) VCF-style: chr2-179536697-C-T.
Other names: c.13283-29653G>A (NM_003319.4); c.13859-29653G>A (NM_133437.4); c.13658-29653G>A (NM_133432.3); c.31324+1G>A (NM_133378.4); c.34105+1G>A (NM_001256850.1).
Identifiers: ClinVar variation 4278366 (VCV004278366.2).

ClinVar aggregate classification (germline): Pathogenic/Likely pathogenic. Review status: criteria provided, multiple submitters, no conflicts (2 of 4 stars). 2 submissions from 2 submitters: Pathogenic (1); Likely pathogenic (1). Last evaluated 2025-09-10.

Conditions:
Autosomal recessive limb-girdle muscular dystrophy type 2J (LGMDR10). Also called: Limb-girdle muscular dystrophy, type 2J; MUSCULAR DYSTROPHY, LIMB-GIRDLE, AUTOSOMAL RECESSIVE 10. Identifiers: Orphanet 140922, MedGen C1837342, MONDO:0012127, OMIM 608807.
Dilated cardiomyopathy 1G (CMD1G). Identifiers: Orphanet 154, MedGen C1858763, MONDO:0011400, OMIM 604145.

Submissions (2):

Genomic Medicine Center of Excellence, King Faisal Specialist Hospital and Research Centre
Classification: Pathogenic for Dilated cardiomyopathy 1G. Last evaluated: 2025-09-10. Review status: criteria provided, single submitter. Criteria: ACMG Guidelines, 2015. Collection method: clinical testing. Allele origin: germline.

Labcorp Genetics (formerly Invitae), Labcorp
Classification: Likely pathogenic for Dilated cardiomyopathy 1G; Autosomal recessive limb-girdle muscular dystrophy type 2J. Last evaluated: 2025-07-19. Review status: criteria provided, single submitter. Criteria: Invitae Variant Classification Sherloc (09022015). Collection method: clinical testing. Allele origin: germline.
Comment: This sequence change affects a donor splice site in intron 155 of the TTN gene. It is expected to disrupt RNA splicing and likely results in a truncated or disrupted TTN protein. This variant is not present in population databases (gnomAD no frequency). This variant has not been reported in the literature in individuals affected with TTN-related conditions. Algorithms developed to predict the effect of sequence changes on RNA splicing suggest that this variant may disrupt the consensus splice site. This variant is located in the I band of TTN (PMID: 25589632). Truncating variants in this region have been reported in individuals affected with autosomal recessive centronuclear myopathy (PMID: 23975875, internal data). Truncating variants in this region have also been identified in individuals affected with autosomal dominant dilated cardiomyopathy and/or cardio-related conditions (PMID: 27869827, 32964742, internal data). In summary, the currently available evidence indicates that the variant is pathogenic, but additional data are needed to prove that conclusively. Therefore, this variant has been classified as Likely Pathogenic.

Literature cited by the submitters: PubMed 25589632 (cited by Labcorp Genetics (formerly Invitae), Labcorp); PubMed 23975875 (cited by Labcorp Genetics (formerly Invitae), Labcorp); PubMed 27869827 (cited by Labcorp Genetics (formerly Invitae), Labcorp); PubMed 32964742 (cited by Labcorp Genetics (formerly Invitae), Labcorp).